The following is an entry in ClinVar:

ClinVar aggregate classification (germline): Uncertain significance (1 of 4 stars; one submission).

Submission:

CeGaT Center for Human Genetics Tuebingen
Classification: Uncertain significance. Last evaluated: 2023-05-01. Review status: criteria provided, single submitter. Criteria: CeGaT Center For Human Genetics Tuebingen Variant Classification Criteria Version 2. Collection method: clinical testing. Allele origin: germline. Affected: yes. Observed: 2 variant alleles.
Comment: COL6A1: PM2, PM4

NM_001848.3(COL6A1):c.117_119del (p.Phe40del)

Gene: COL6A1 (collagen type VI alpha 1 chain; plus strand). Cytogenetic location: 21q22.3.
Variant type: Deletion.
Coding change: c.117_119del on transcript NM_001848.3 (MANE Select); coding-DNA positions 117 to 119, 3 bases deleted (CTT; older notation c.117_119delCTT).
Protein change: p.Phe40del; deletes phenylalanine 40.
Molecular consequence: inframe deletion.
Genome position (GRCh38, 1-based): chr21:45,982,653-45,982,655, CTT deleted; deleting any 3 consecutive bases within chr21:45,982,651-45,982,655 gives the same sequence; the c. name uses the placement nearest the transcript's 3' end. VCF-style (leftmost placement, unchanged base first): chr21-45982650-GTTC-G. GRCh37 (hg19) VCF-style: chr21-47402564-GTTC-G.
Other names: short protein forms F40del.
Identifiers: ClinVar variation 2571150 (VCV002571150.27), dbSNP rs2526307313, ClinGen allele CA2580615222.